The following is an entry in ClinVar:

ClinVar aggregate classification (germline): Uncertain significance. Review status: criteria provided, multiple submitters, no conflicts (2 of 4 stars). 3 submissions from 3 submitters: Uncertain significance (3). Last evaluated 2025-12-15.

Conditions:
Primary ciliary dyskinesia. Also called: Ciliary dyskinesia. Identifiers: Orphanet 244, MedGen C0008780, MONDO:0016575, HP:0012265.
Primary ciliary dyskinesia 19. Also called: CILIARY DYSKINESIA, PRIMARY, 19, WITH OR WITHOUT SITUS INVERSUS. Identifiers: Orphanet 244, MedGen C3543826, MONDO:0013979, OMIM 614935.

Allele frequency attached by ClinVar (database versions not stated): gnomAD exomes 0.00003 and 0.00009; ExAC 0.00004; gnomAD 0.00009; TOPMed 0.00009.
gnomAD v4.1: 137 of 1,581,060 alleles (0.0087%); highest among the groups gnomAD compares: Non-Finnish European, 0.012%; no homozygotes.

Submissions (3):

Labcorp Genetics (formerly Invitae), Labcorp
Classification: Uncertain significance for Primary ciliary dyskinesia 19. Last evaluated: 2025-12-15. Review status: criteria provided, single submitter. Criteria: Invitae Variant Classification Sherloc (09022015). Collection method: clinical testing. Allele origin: germline.
Comment: This sequence change replaces tyrosine, which is neutral and polar, with asparagine, which is neutral and polar, at codon 326 of the LRRC6 protein (p.Tyr326Asn). This variant is present in population databases (rs200458059, gnomAD 0.006%). This variant has not been reported in the literature in individuals affected with LRRC6-related conditions. ClinVar contains an entry for this variant (Variation ID: 1681033). An algorithm developed to predict the effect of missense changes on protein structure and function (PolyPhen-2) suggests that this variant is likely to be disruptive. In summary, the available evidence is currently insufficient to determine the role of this variant in disease. Therefore, it has been classified as a Variant of Uncertain Significance.

Ambry Genetics
Classification: Uncertain significance for Primary ciliary dyskinesia. Last evaluated: 2025-10-29. Review status: criteria provided, single submitter. Criteria: Ambry Variant Classification Scheme 2023. Collection method: clinical testing. Allele origin: germline.

Department of Pathology and Laboratory Medicine, Sinai Health System
Classification: Uncertain significance for primary ciliary dyskinesia 19. Last evaluated: 2022-06-03. Review status: criteria provided, single submitter. Criteria: ACMG Guidelines, 2015. Collection method: research. Allele origin: germline.

NM_012472.6(DNAAF11):c.976T>A (p.Tyr326Asn)

Gene: DNAAF11 (dynein axonemal assembly factor 11; minus strand). Cytogenetic location: 8q24.22.
Variant type: single nucleotide variant.
Coding change: c.976T>A on transcript NM_012472.6 (MANE Select); coding-DNA position 976, T replaced by A.
Protein change: p.Tyr326Asn; replaces tyrosine 326 with asparagine.
Molecular consequence: missense variant. On other transcripts: non-coding transcript variant (10).
Genome position (GRCh38, 1-based): chr8:132,611,362, A>T on the plus strand (T>A on the coding strand, the complement: DNAAF11 is on the minus strand). VCF-style: chr8-132611362-A-T. GRCh37 (hg19) VCF-style: chr8-133623608-A-T.
Other names: c.916T>A, p.Tyr306Asn (NM_001321961.2); c.730T>A, p.Tyr244Asn (NM_001321962.2); c.616T>A, p.Tyr206Asn (NM_001321963.2, NM_001321964.2, NM_001321965.2); c.556T>A, p.Tyr186Asn (NM_001321966.2); short protein forms Y186N, Y206N, Y244N, Y306N, Y326N.
Identifiers: ClinVar variation 1681033 (VCV001681033.7), dbSNP rs200458059, ClinGen allele CA4881216.